The following is an entry in ClinVar:

ClinVar aggregate classification (germline): Uncertain significance. Review status: criteria provided, multiple submitters, no conflicts (2 of 4 stars). 2 submissions from 2 submitters: Uncertain significance (2). Last evaluated 2025-10-01.

Conditions:
Holoprosencephaly 9 (HPE9). Also called: PITUITARY ANOMALIES WITH HOLOPROSENCEPHALY-LIKE FEATURES; HOLOPROSENCEPHALY WITH MICROPHTHALMIA AND FIRST BRANCHIAL ARCH ANOMALIES. Identifiers: Orphanet 2162, MedGen C1835819, MONDO:0012563, OMIM 610829.
Postaxial polydactyly-anterior pituitary anomalies-facial dysmorphism syndrome. Also called: Culler-Jones syndrome. Identifiers: Orphanet 420584, MedGen C4014479, MONDO:0014369, OMIM 615849.

Allele frequency attached by ClinVar (database versions not stated): gnomAD exomes below 0.00001; ExAC 0.00001.
gnomAD v4.1: 1 of 1,613,668 alleles (0.000062%); highest among the groups gnomAD compares: South Asian, 0.0011%; no homozygotes.

Submissions (2):

CeGaT Center for Human Genetics Tuebingen
Classification: Uncertain significance. Last evaluated: 2025-10-01. Review status: criteria provided, single submitter. Criteria: CeGaT Center For Human Genetics Tuebingen Variant Classification Criteria Version 2. Collection method: clinical testing. Allele origin: germline. Affected: yes. Observed: 1 variant allele.
Comment: GLI2: PM2

Labcorp Genetics (formerly Invitae), Labcorp
Classification: Uncertain significance for Postaxial polydactyly-anterior pituitary anomalies-facial dysmorphism syndrome; Holoprosencephaly 9. Last evaluated: 2022-07-26. Review status: criteria provided, single submitter. Criteria: Invitae Variant Classification Sherloc (09022015). Collection method: clinical testing. Allele origin: germline.
Comment: In summary, the available evidence is currently insufficient to determine the role of this variant in disease. Therefore, it has been classified as a Variant of Uncertain Significance. Algorithms developed to predict the effect of missense changes on protein structure and function are either unavailable or do not agree on the potential impact of this missense change (SIFT: "Deleterious"; PolyPhen-2: "Probably Damaging"; Align-GVGD: "Class C0"). This variant has not been reported in the literature in individuals affected with GLI2-related conditions. This variant is present in population databases (rs761750550, gnomAD 0.003%). This sequence change replaces glutamine, which is neutral and polar, with proline, which is neutral and non-polar, at codon 303 of the GLI2 protein (p.Gln303Pro).

NM_001374353.1(GLI2):c.908A>C (p.Gln303Pro)

Gene: GLI2 (GLI family zinc finger 2; plus strand). Cytogenetic location: 2q14.2.
Variant type: single nucleotide variant.
Coding change: c.908A>C on transcript NM_001374353.1 (MANE Select); coding-DNA position 908, A replaced by C.
Protein change: p.Gln303Pro; replaces glutamine 303 with proline.
Molecular consequence: missense variant.
Genome position (GRCh38, 1-based): chr2:120,970,455, A>C. VCF-style: chr2-120970455-A-C. GRCh37 (hg19) VCF-style: chr2-121728031-A-C.
Other names: c.908A>C, p.Gln303Pro (NM_001371271.1, NM_005270.5); c.533A>C, p.Gln178Pro (NM_001374354.1); short protein forms Q178P, Q303P.
Identifiers: ClinVar variation 1972675 (VCV001972675.11), dbSNP rs761750550, ClinGen allele CA1851713.